The following is an entry in ClinVar:

ClinVar aggregate classification (germline): Benign/Likely benign. Review status: criteria provided, multiple submitters, no conflicts (2 of 4 stars). 10 submissions from 10 submitters: Benign (5); Likely benign (2). 3 of the submissions do not count toward it. Last evaluated 2026-07-01.

Conditions:
MHC class II deficiency. Also called: Bare lymphocyte syndrome 2; BLS, TYPE II. Identifiers: Orphanet 572, MedGen C5447452, MONDO:0008855.
RFX5-related disorder. Also called: RFX5-related condition.

Allele frequency attached by ClinVar (database versions not stated): 1000 Genomes Project 30x 0.00468; 1000 Genomes Project 0.00479; gnomAD 0.00835 and 0.00866; ESP Exome Variant Server 0.00869; ExAC 0.00883; gnomAD exomes 0.00886 and 0.01023; TOPMed 0.00947.
gnomAD v4.1: 16,270 of 1,614,078 alleles (1%); highest among the groups gnomAD compares: Middle Eastern, 1.4%; 88 homozygotes.

Submissions (10):

CeGaT Center for Human Genetics Tuebingen
Classification: Benign. Last evaluated: 2026-07-01. Review status: criteria provided, single submitter. Criteria: CeGaT Center For Human Genetics Tuebingen Variant Classification Criteria Version 2. Collection method: clinical testing. Allele origin: germline. Affected: yes. Observed: 13 variant alleles.
Comment: RFX5: BS1, BS2

Women's Health and Genetics/Laboratory Corporation of America, LabCorp
Classification: Likely benign. Last evaluated: 2026-03-31. Review status: criteria provided, single submitter. Criteria: LabCorp Variant Classification Summary - May 2015. Collection method: clinical testing. Allele origin: germline.

Labcorp Genetics (formerly Invitae), Labcorp
Classification: Benign for MHC class II deficiency. Last evaluated: 2026-02-04. Review status: criteria provided, single submitter. Criteria: Invitae Variant Classification Sherloc (09022015). Collection method: clinical testing. Allele origin: germline.

Genomic Medicine Center of Excellence, King Faisal Specialist Hospital and Research Centre
Classification: Likely benign. Last evaluated: 2025-08-18. Review status: criteria provided, single submitter. Criteria: ACMG Guidelines, 2015. Collection method: clinical testing. Allele origin: germline.

Genome-Nilou Lab
Classification: Benign for MHC class II deficiency 1. Last evaluated: 2023-04-11. Review status: criteria provided, single submitter. Criteria: ACMG Guidelines, 2015. Collection method: clinical testing. Allele origin: germline. Affected: no.

Illumina Laboratory Services, Illumina
Classification: Benign for MHC class II deficiency 1. Last evaluated: 2018-01-13. Review status: criteria provided, single submitter. Criteria: ICSL Variant Classification Criteria 13 December 2019. Collection method: clinical testing. Allele origin: germline.
Comment: This variant was observed in the ICSL laboratory as part of a predisposition screen in an ostensibly healthy population. It had not been previously curated by ICSL or reported in the Human Gene Mutation Database (HGMD: prior to June 1st, 2018), and was therefore a candidate for classification through an automated scoring system. Utilizing variant allele frequency, disease prevalence and penetrance estimates, and inheritance mode, an automated score was calculated to assess if this variant is too frequent to cause the disease. Based on the score and internal cut-off values, a variant classified as benign is not then subjected to further curation. The score for this variant resulted in a classification of benign for this disease.

Breakthrough Genomics
Classification: Benign. Review status: criteria provided, single submitter. Criteria: ACMG Guidelines, 2015. Collection method: not provided. Allele origin: germline. Inheritance: Autosomal recessive inheritance. Affected: yes.

PreventionGenetics, part of Exact Sciences
Classification: Benign for RFX5-related condition. Last evaluated: 2019-04-02. Review status: no assertion criteria provided. Collection method: clinical testing. Allele origin: germline. Not counted in ClinVar's aggregate classification.
Comment: This variant is classified as benign based on ACMG/AMP sequence variant interpretation guidelines (Richards et al. 2015 PMID: 25741868, with internal and published modifications).

Clinical Genetics DNA and cytogenetics Diagnostics Lab, Erasmus MC, Erasmus Medical Center
Classification: Benign. Review status: no assertion criteria provided. Collection method: clinical testing. Allele origin: germline. Affected: yes. Study: VKGL Data-share Consensus. Not counted in ClinVar's aggregate classification.

Genome Diagnostics Laboratory, University Medical Center Utrecht
Classification: Benign. Review status: no assertion criteria provided. Collection method: clinical testing. Allele origin: germline. Affected: yes. Study: VKGL Data-share Consensus. Not counted in ClinVar's aggregate classification.

NM_001025603.2(RFX5):c.590G>A (p.Arg197Gln)

Gene: RFX5 (regulatory factor X5; minus strand). Cytogenetic location: 1q21.3.
Variant type: single nucleotide variant.
Coding change: c.590G>A on transcript NM_001025603.2 (MANE Select); coding-DNA position 590, G replaced by A.
Protein change: p.Arg197Gln; replaces arginine 197 with glutamine.
Molecular consequence: missense variant.
Genome position (GRCh38, 1-based): chr1:151,343,848, C>T on the plus strand (G>A on the coding strand, the complement: RFX5 is on the minus strand). VCF-style: chr1-151343848-C-T. GRCh37 (hg19) VCF-style: chr1-151316324-C-T.
Other names: c.590G>A, p.Arg197Gln (NM_000449.4, NM_001379412.1, NM_001379413.1 and 5 more transcripts); c.470G>A, p.Arg157Gln (NM_001379419.1, NM_001379420.1); short protein forms R197Q, R157Q.
Identifiers: ClinVar variation 292617 (VCV000292617.52), dbSNP rs2233851, ClinGen allele CA1089790.
Genomic context (GRCh38, chr1:151,343,848, plus strand): 5'-TTCAGGATCCGCTCTGCCCAGTCACAGGTCAGGGCACACGCTGCCTCCACCAGTTCATCT[C>T]GAGGTGCTGGGGTTACTTCTGGGCCCATTTCTGGCTGAAGTGGGGAAGGACATGCCCAAT-3'
Protein context (NP_001020774.1, residues 187-207): EMGPEVTPAP[Arg197Gln]DELVEAACAL